The following is an entry in ClinVar:

NM_001394062.1(MACF1):c.16040C>T (p.Ala5347Val)

Gene: MACF1 (microtubule actin crosslinking factor 1; plus strand). Cytogenetic location: 1p34.3.
Variant type: single nucleotide variant.
Coding change: c.16040C>T on transcript NM_001394062.1 (MANE Select); coding-DNA position 16040, C replaced by T.
Protein change: p.Ala5347Val; replaces alanine 5347 with valine.
Molecular consequence: missense variant.
Genome position (GRCh38, 1-based): chr1:39,422,791, C>T. VCF-style: chr1-39422791-C-T. GRCh37 (hg19) VCF-style: chr1-39888463-C-T.
Other names: c.4436C>T, p.Ala1479Val (NM_001397473.1); c.9854C>T, p.Ala3285Val (NM_012090.5); short protein forms A1479V, A5347V, A3285V.
Identifiers: ClinVar variation 2818786 (VCV002818786.3), dbSNP rs2522990065, ClinGen allele CA339792277.

ClinVar aggregate classification (germline): Uncertain significance (1 of 4 stars; one submission).

gnomAD v4.1: 1 of 1,614,162 alleles (0.000062%); highest among the groups gnomAD compares: Non-Finnish European, 0.000085%; no homozygotes.

Submission:

Labcorp Genetics (formerly Invitae), Labcorp
Classification: Uncertain significance. Last evaluated: 2022-12-05. Review status: criteria provided, single submitter. Criteria: Invitae Variant Classification Sherloc (09022015). Collection method: clinical testing. Allele origin: germline.
Comment: This variant is not present in population databases (gnomAD no frequency). In summary, the available evidence is currently insufficient to determine the role of this variant in disease. Therefore, it has been classified as a Variant of Uncertain Significance. Algorithms developed to predict the effect of missense changes on protein structure and function are either unavailable or do not agree on the potential impact of this missense change (SIFT: "Deleterious"; PolyPhen-2: "Probably Damaging"; Align-GVGD: "Class C0"). This variant has not been reported in the literature in individuals affected with MACF1-related conditions. This sequence change replaces alanine, which is neutral and non-polar, with valine, which is neutral and non-polar, at codon 3285 of the MACF1 protein (p.Ala3285Val).